The following is an entry in ClinVar:

ClinVar aggregate classification (germline): Uncertain significance (1 of 4 stars; one submission).

Conditions:
Optic atrophy 10 with or without ataxia, impaired intellectual development, and seizures. Also called: Optic atrophy 10 with or without ataxia, intellectual disability, and seizures; OPTIC ATROPHY 10 WITH OR WITHOUT ATAXIA, MENTAL RETARDATION, AND SEIZURES. Identifiers: MedGen C4225227, MONDO:0020737, OMIM 616732.

Submission:

Laboratorio de Genetica e Diagnostico Molecular, Hospital Israelita Albert Einstein
Classification: Uncertain significance for Optic atrophy 10 with or without ataxia, impaired intellectual development, and seizures. Last evaluated: 2022-10-29. Review status: criteria provided, single submitter. Criteria: ACMG Guidelines, 2015. Collection method: clinical testing. Allele origin: germline. Affected: yes. Observed: 1 variant allele.
Comment: ACMG classification criteria: PM2 moderated, PM3 supporting

NM_032730.5(RTN4IP1):c.275-1299T>C

Gene: RTN4IP1 (reticulon 4 interacting protein 1; minus strand). Cytogenetic location: 6q21.
Variant type: single nucleotide variant.
Coding change: c.275-1299T>C on transcript NM_032730.5 (MANE Select); 1299 bases into the intron before coding-DNA position 275, T replaced by C.
Molecular consequence: intron variant.
Genome position (GRCh38, 1-based): chr6:106,624,268, A>G on the plus strand (T>C on the coding strand, the complement: RTN4IP1 is on the minus strand). VCF-style: chr6-106624268-A-G. GRCh37 (hg19) VCF-style: chr6-107072143-A-G.
Other names: c.-26-1299T>C (NM_001318746.1).
Identifiers: ClinVar variation 2431550 (VCV002431550.1), dbSNP rs2482441407, ClinGen allele CA2580074708.